The following is an entry in ClinVar:

ClinVar aggregate classification (germline): Uncertain significance (1 of 4 stars; one submission).

gnomAD v4.1: 2 of 1,614,064 alleles (0.00012%); highest among the groups gnomAD compares: South Asian, 0.0011%; no homozygotes.

Submission:

Labcorp Genetics (formerly Invitae), Labcorp
Classification: Uncertain significance. Last evaluated: 2025-11-15. Review status: criteria provided, single submitter. Criteria: Invitae Variant Classification Sherloc (09022015). Collection method: clinical testing. Allele origin: germline.
Comment: This sequence change replaces arginine, which is basic and polar, with glycine, which is neutral and non-polar, at codon 2053 of the SRCAP protein (p.Arg2053Gly). This variant is present in population databases (no rsID available, gnomAD 0.003%). This variant has not been reported in the literature in individuals affected with SRCAP-related conditions. Invitae Evidence Modeling of protein sequence and biophysical properties (such as structural, functional, and spatial information, amino acid conservation, physicochemical variation, residue mobility, and thermodynamic stability) has been performed for this missense variant. However, the output from this modeling did not meet the statistical confidence thresholds required to predict the impact of this variant on SRCAP protein function. In summary, the available evidence is currently insufficient to determine the role of this variant in disease. Therefore, it has been classified as a Variant of Uncertain Significance.

NM_006662.3(SRCAP):c.6157C>G (p.Arg2053Gly)

Gene: SRCAP (Snf2 related CREBBP activator protein; plus strand). Cytogenetic location: 16p11.2.
Variant type: single nucleotide variant.
Coding change: c.6157C>G on transcript NM_006662.3 (MANE Select); coding-DNA position 6157, C replaced by G.
Protein change: p.Arg2053Gly; replaces arginine 2053 with glycine.
Molecular consequence: missense variant.
Genome position (GRCh38, 1-based): chr16:30,733,309, C>G. VCF-style: chr16-30733309-C-G. GRCh37 (hg19) VCF-style: chr16-30744630-C-G.
Other names: short protein forms R2053G.
Identifiers: ClinVar variation 4778957 (VCV004778957.1).